The following is an entry in ClinVar:

ClinVar aggregate classification (germline): Uncertain significance. Review status: criteria provided, multiple submitters, no conflicts (2 of 4 stars). 2 submissions from 2 submitters: Uncertain significance (2). Last evaluated 2025-01-16.

Conditions:
Catecholaminergic polymorphic ventricular tachycardia 1. Also called: VENTRICULAR TACHYCARDIA, CATECHOLAMINERGIC POLYMORPHIC, 1, WITH OR WITHOUT ATRIAL DYSFUNCTION AND/OR DILATED CARDIOMYOPATHY; VENTRICULAR TACHYCARDIA, STRESS-INDUCED POLYMORPHIC 1; RYR2-Related Catecholaminergic Polymorphic Ventricular Tachycardia. Identifiers: Orphanet 3286, MedGen C1631597, MONDO:0011484, OMIM 604772.
Cardiovascular phenotype. Identifiers: MedGen CN230736.

Allele frequency attached by ClinVar (database versions not stated): TOPMed 0.00001; gnomAD exomes 0.00007; ExAC 0.00010.
gnomAD v4.1: 30 of 1,606,298 alleles (0.0019%); highest among the groups gnomAD compares: Admixed American, 0.03%; no homozygotes.

Submissions (2):

Ambry Genetics
Classification: Uncertain significance for Cardiovascular phenotype. Last evaluated: 2025-01-16. Review status: criteria provided, single submitter. Criteria: Ambry Variant Classification Scheme 2023. Collection method: clinical testing. Allele origin: germline.

Labcorp Genetics (formerly Invitae), Labcorp
Classification: Uncertain significance for Catecholaminergic polymorphic ventricular tachycardia 1. Last evaluated: 2022-07-10. Review status: criteria provided, single submitter. Criteria: Invitae Variant Classification Sherloc (09022015). Collection method: clinical testing. Allele origin: germline.
Comment: This sequence change replaces alanine, which is neutral and non-polar, with serine, which is neutral and polar, at codon 355 of the TRDN protein (p.Ala355Ser). This variant is present in population databases (rs776657049, gnomAD 0.05%). This variant has not been reported in the literature in individuals affected with TRDN-related conditions. ClinVar contains an entry for this variant (Variation ID: 660929). Algorithms developed to predict the effect of missense changes on protein structure and function output the following: SIFT: "Tolerated"; PolyPhen-2: "Benign"; Align-GVGD: "Class C0". The serine amino acid residue is found in multiple mammalian species, which suggests that this missense change does not adversely affect protein function. In summary, the available evidence is currently insufficient to determine the role of this variant in disease. Therefore, it has been classified as a Variant of Uncertain Significance.

NM_006073.4(TRDN):c.1063G>T (p.Ala355Ser)

Gene: TRDN (triadin; minus strand). Cytogenetic location: 6q22.31.
Variant type: single nucleotide variant.
Coding change: c.1063G>T on transcript NM_006073.4 (MANE Select); coding-DNA position 1063, G replaced by T.
Protein change: p.Ala355Ser; replaces alanine 355 with serine.
Molecular consequence: missense variant.
Genome position (GRCh38, 1-based): chr6:123,393,666, C>A on the plus strand (G>T on the coding strand, the complement: TRDN is on the minus strand). VCF-style: chr6-123393666-C-A. GRCh37 (hg19) VCF-style: chr6-123714811-C-A.
Other names: c.1066G>T, p.Ala356Ser (NM_001251987.2); short protein forms A355S, A356S.
Identifiers: ClinVar variation 660929 (VCV000660929.11), dbSNP rs776657049, ClinGen allele CA3984135.